The following is an entry in ClinVar:

NM_006206.6(PDGFRA):c.669C>T (p.Thr223=)

Gene: PDGFRA (platelet derived growth factor receptor alpha; plus strand). Cytogenetic location: 4q12.
Variant type: single nucleotide variant.
Coding change: c.669C>T on transcript NM_006206.6 (MANE Select); coding-DNA position 669, C replaced by T.
Protein change: p.Thr223=; no amino-acid change (threonine 223 retained).
Molecular consequence: synonymous variant.
Genome position (GRCh38, 1-based): chr4:54,264,959, C>T. VCF-style: chr4-54264959-C-T. GRCh37 (hg19) VCF-style: chr4-55131126-C-T.
Other names: c.669C>T, p.Thr223= (NM_001347827.2, NM_001347829.2); c.744C>T, p.Thr248= (NM_001347828.2); c.708C>T, p.Thr236= (NM_001347830.2).
Identifiers: ClinVar variation 240356 (VCV000240356.17), dbSNP rs576592961, ClinGen allele CA2922352.

ClinVar aggregate classification (germline): Benign/Likely benign. Review status: criteria provided, multiple submitters, no conflicts (2 of 4 stars). 3 submissions from 3 submitters: Benign (1); Likely benign (2). Last evaluated 2026-06-16.

Conditions:
Polyps, multiple and recurrent inflammatory fibroid, gastrointestinal. Identifiers: MedGen C5193005, MONDO:0008285, OMIM 175510.
Hereditary cancer-predisposing syndrome. Also called: Neoplastic Syndromes, Hereditary; Hereditary neoplastic syndrome; Hereditary Cancer Syndrome; Tumor predisposition. Identifiers: Orphanet 140162, MedGen C0027672, MeSH D009386, MONDO:0015356.
Gastrointestinal stromal tumor. Also called: Gastrointestinal stromal tumor, somatic; Gastrointestinal stroma tumor. Identifiers: Orphanet 44890, MedGen C0238198, MeSH D046152, MONDO:0011719, OMIM 606764, HP:0100723.

Allele frequency attached by ClinVar (database versions not stated): gnomAD 0.00004; TOPMed 0.00004; gnomAD exomes 0.00008; ExAC 0.00010.
gnomAD v4.1: 172 of 1,612,984 alleles (0.011%); highest among the groups gnomAD compares: Non-Finnish European, 0.013%; no homozygotes.

Submissions (3):

Myriad Genetics, Inc.
Classification: Benign for Polyps, multiple and recurrent inflammatory fibroid, gastrointestinal. Last evaluated: 2026-06-16. Review status: criteria provided, single submitter. Criteria: Myriad Autosomal Dominant, Autosomal Recessive and X-Linked Classification Criteria (2023). Collection method: clinical testing. Allele origin: unknown.
Comment: This variant is considered benign. This variant is a silent/synonymous amino acid change and it is not expected to impact splicing.

Labcorp Genetics (formerly Invitae), Labcorp
Classification: Likely benign for Gastrointestinal stromal tumor. Last evaluated: 2026-01-19. Review status: criteria provided, single submitter. Criteria: Invitae Variant Classification Sherloc (09022015). Collection method: clinical testing. Allele origin: germline.

Ambry Genetics
Classification: Likely benign for Hereditary cancer-predisposing syndrome. Last evaluated: 2019-09-30. Review status: criteria provided, single submitter. Criteria: Ambry Variant Classification Scheme 2023. Collection method: clinical testing. Allele origin: germline.